The following is an entry in ClinVar:

ClinVar aggregate classification (germline): Likely benign (1 of 4 stars; one submission).

Conditions:
IFT74-related disorder. Also called: IFT74-related condition; IFT74-Related Disorders.

Submission:

PreventionGenetics, part of Exact Sciences
Classification: Likely benign for IFT74-related condition. Last evaluated: 2025-07-21. Review status: criteria provided, single submitter. Criteria: ACMG Guidelines, 2015. Collection method: clinical testing. Allele origin: germline.
Comment: This variant is classified as likely benign based on ACMG/AMP sequence variant interpretation guidelines (Richards et al. 2015 PMID: 25741868, with internal and published modifications).

NM_025103.4(IFT74):c.228T>C (p.Gly76=)

Gene: IFT74 (intraflagellar transport 74; plus strand). Cytogenetic location: 9p21.2.
Variant type: single nucleotide variant.
Coding change: c.228T>C on transcript NM_025103.4 (MANE Select); coding-DNA position 228, T replaced by C.
Protein change: p.Gly76=; no amino-acid change (glycine 76 retained).
Molecular consequence: synonymous variant.
Genome position (GRCh38, 1-based): chr9:26,978,235, T>C. VCF-style: chr9-26978235-T-C. GRCh37 (hg19) VCF-style: chr9-26978233-T-C.
Other names: c.228T>C, p.Gly76= (NM_001099222.3, NM_001099223.3, NM_001099224.3 and 1 more transcripts).
Identifiers: ClinVar variation 4997718 (VCV004997718.1).